The following is an entry in ClinVar:

ClinVar aggregate classification (germline): Uncertain significance (1 of 4 stars; one submission).

Submission:

GeneDx
Classification: Uncertain significance. Last evaluated: 2024-01-04. Review status: criteria provided, single submitter. Criteria: GeneDx Variant Classification Process June 2021. Collection method: clinical testing. Allele origin: germline. Affected: yes.
Comment: Not observed at significant frequency in large population cohorts (gnomAD); In silico analysis supports that this missense variant does not alter protein structure/function; Occurs in the triple helical domain at the Y position in the canonical Gly-X-Y repeat; although this variant may have an effect on normal protein folding and function, missense substitution at the Y position is not a common mechanism of disease (HGMD); Has not been previously published as pathogenic or benign to our knowledge

NM_001844.5(COL2A1):c.2848G>C (p.Ala950Pro)

Gene: COL2A1 (collagen type II alpha 1 chain; minus strand). Cytogenetic location: 12q13.11.
Variant type: single nucleotide variant.
Coding change: c.2848G>C on transcript NM_001844.5 (MANE Select); coding-DNA position 2848, G replaced by C.
Protein change: p.Ala950Pro; replaces alanine 950 with proline.
Molecular consequence: missense variant.
Genome position (GRCh38, 1-based): chr12:47,978,644, C>G on the plus strand (G>C on the coding strand, the complement: COL2A1 is on the minus strand). VCF-style: chr12-47978644-C-G. GRCh37 (hg19) VCF-style: chr12-48372427-C-G.
Other names: c.2641G>C, p.Ala881Pro (NM_033150.3); short protein forms A881P, A950P.
Identifiers: ClinVar variation 3367343 (VCV003367343.1).